The following is an entry in ClinVar:

NM_153252.5(BRWD3):c.*5790G>A

Gene: BRWD3 (bromodomain and WD repeat domain containing 3; minus strand). Cytogenetic location: Xq21.1.
Variant type: single nucleotide variant.
Coding change: c.*5790G>A on transcript NM_153252.5 (MANE Select); 5790 bases downstream of the stop codon, G replaced by A.
Molecular consequence: 3 prime UTR variant.
Genome position (GRCh38, 1-based): chrX:80,670,819, C>T on the plus strand (G>A on the coding strand, the complement: BRWD3 is on the minus strand). VCF-style: chrX-80670819-C-T. GRCh37 (hg19) VCF-style: chrX-79926318-C-T.
Identifiers: ClinVar variation 368688 (VCV000368688.29), dbSNP rs759779733, ClinGen allele CA10652053.
Genomic context (GRCh38, chrX:80,670,819, plus strand): 5'-AAGAGGGCTATCTCTAACCAATTAAGCAACTAAACAAAAATACCAAACAACTTATCTCCA[C>T]TTCAATCTCTGAATATTGTAAAAAATCAGTCTACTTTTTTCCTAAATGCATTTTTTTTAT-3'

ClinVar aggregate classification (germline): Conflicting classifications of pathogenicity. Review status: criteria provided, conflicting classifications (1 of 4 stars). 2 submissions from 2 submitters: Uncertain significance (1); Likely benign (1). Last evaluated 2022-11-01.

Conditions:
Intellectual developmental disorder, X-linked 93. Also called: MENTAL RETARDATION, X-LINKED, WITH MACROCEPHALY; Intellectual disability, X-linked 93. Identifiers: MedGen C1970841, MONDO:0010393, OMIM 300659.

Allele frequency attached by ClinVar (database versions not stated): TOPMed 0.00071; 1000 Genomes Project 0.00026; 1000 Genomes Project 30x 0.00042; gnomAD 0.00085 and 0.00099.

Submissions (2):

CeGaT Center for Human Genetics Tuebingen
Classification: Likely benign. Last evaluated: 2022-11-01. Review status: criteria provided, single submitter. Criteria: CeGaT Center For Human Genetics Tuebingen Variant Classification Criteria Version 2. Collection method: clinical testing. Allele origin: germline. Affected: yes. Observed: 1 variant allele.
Comment: BRWD3: BS2

Illumina Laboratory Services, Illumina
Classification: Uncertain significance for Intellectual developmental disorder, X-linked 93. Last evaluated: 2018-01-12. Review status: criteria provided, single submitter. Criteria: ICSL Variant Classification Criteria 13 December 2019. Collection method: clinical testing. Allele origin: germline.